The following is an entry in ClinVar:

ClinVar aggregate classification (germline): Conflicting classifications of pathogenicity. Review status: criteria provided, conflicting classifications (1 of 4 stars). 4 submissions from 4 submitters: Uncertain significance (2); Benign (1); Likely benign (1). Last evaluated 2025-12-14.

Conditions:
Inborn genetic diseases. Identifiers: MedGen C0950123, MeSH D030342.

Allele frequency attached by ClinVar (database versions not stated): ESP Exome Variant Server 0.00009; ExAC 0.00015; gnomAD exomes 0.00017 and 0.00033; gnomAD 0.00031; TOPMed 0.00061.
gnomAD v4.1: 392 of 1,198,906 alleles (0.033%); highest among the groups gnomAD compares: Admixed American, 0.085%; no homozygotes.

Submissions (4):

Labcorp Genetics (formerly Invitae), Labcorp
Classification: Benign. Last evaluated: 2025-12-14. Review status: criteria provided, single submitter. Criteria: Invitae Variant Classification Sherloc (09022015). Collection method: clinical testing. Allele origin: germline.

GeneDx
Classification: Uncertain significance. Last evaluated: 2024-01-19. Review status: criteria provided, single submitter. Criteria: GeneDx Variant Classification Process June 2021. Collection method: clinical testing. Allele origin: germline. Affected: yes.
Comment: In silico analysis supports that this missense variant has a deleterious effect on protein structure/function; Has not been previously published as pathogenic or benign to our knowledge

Ambry Genetics
Classification: Likely benign for Inborn genetic diseases. Last evaluated: 2022-07-12. Review status: criteria provided, single submitter. Criteria: Ambry Variant Classification Scheme 2023. Collection method: clinical testing. Allele origin: germline.

Eurofins Ntd Llc (ga)
Classification: Uncertain significance. Last evaluated: 2014-12-01. Review status: criteria provided, single submitter. Criteria: EGL Classification Definitions 2015. Collection method: clinical testing. Allele origin: germline. Observed: 1 variant allele, 1 hemizygote.

NM_015922.3(NSDHL):c.773C>T (p.Ser258Leu)

Gene: NSDHL (NAD(P) dependent 3-beta-hydroxysteroid dehydrogenase NSDHL; plus strand). Cytogenetic location: Xq28.
Variant type: single nucleotide variant.
Coding change: c.773C>T on transcript NM_015922.3 (MANE Select); coding-DNA position 773, C replaced by T.
Protein change: p.Ser258Leu; replaces serine 258 with leucine.
Molecular consequence: missense variant.
Genome position (GRCh38, 1-based): chrX:152,867,657, C>T. VCF-style: chrX-152867657-C-T. GRCh37 (hg19) VCF-style: chrX-152036201-C-T.
Other names: c.773C>T, p.Ser258Leu (NM_001129765.2); c.773C>T (NM_015922.2); short protein forms S258L.
Identifiers: ClinVar variation 198567 (VCV000198567.14), dbSNP rs373717198, ClinGen allele CA247290.